The following is an entry in ClinVar:

ClinVar aggregate classification (germline): Likely benign. Review status: criteria provided, multiple submitters, no conflicts (2 of 4 stars). 3 submissions from 3 submitters: Likely benign (3). Last evaluated 2025-10-18.

Allele frequency attached by ClinVar (database versions not stated): ExAC 0.00022; gnomAD exomes 0.00023; gnomAD 0.00033 and 0.00036; TOPMed 0.00034; ESP Exome Variant Server 0.00046.
gnomAD v4.1: 645 of 1,614,006 alleles (0.04%); highest among the groups gnomAD compares: Non-Finnish European, 0.052%; no homozygotes.

Submissions (3):

Labcorp Genetics (formerly Invitae), Labcorp
Classification: Likely benign. Last evaluated: 2025-10-18. Review status: criteria provided, single submitter. Criteria: Invitae Variant Classification Sherloc (09022015). Collection method: clinical testing. Allele origin: germline.

CeGaT Center for Human Genetics Tuebingen
Classification: Likely benign. Last evaluated: 2025-06-01. Review status: criteria provided, single submitter. Criteria: CeGaT Center For Human Genetics Tuebingen Variant Classification Criteria Version 2. Collection method: clinical testing. Allele origin: germline. Affected: yes. Observed: 3 variant alleles.
Comment: VPS13D: BP4, BP7

Blueprint Genetics
Classification: Likely benign. Last evaluated: 2024-07-16. Review status: criteria provided, single submitter. Criteria: ACMG Guidelines, 2015. Collection method: clinical testing. Allele origin: germline.

NM_015378.4(VPS13D):c.9081C>A (p.Leu3027=)

Gene: VPS13D (vacuolar protein sorting 13 homolog D; plus strand). Cytogenetic location: 1p36.22.
Variant type: single nucleotide variant.
Coding change: c.9081C>A on transcript NM_015378.4 (MANE Select); coding-DNA position 9081, C replaced by A.
Protein change: p.Leu3027=; no amino-acid change (leucine 3027 retained).
Molecular consequence: synonymous variant.
Genome position (GRCh38, 1-based): chr1:12,348,834, C>A. VCF-style: chr1-12348834-C-A. GRCh37 (hg19) VCF-style: chr1-12408891-C-A.
Other names: c.9006C>A, p.Leu3002= (NM_018156.4).
Identifiers: ClinVar variation 1612397 (VCV001612397.23), dbSNP rs140334447, ClinGen allele CA603342.